The following is an entry in ClinVar:

ClinVar aggregate classification (germline): Conflicting classifications of pathogenicity. Review status: criteria provided, conflicting classifications (1 of 4 stars). 3 submissions from 3 submitters: Uncertain significance (1); Likely benign (2). Last evaluated 2025-09-24.

Conditions:
VIPAS39-related disorder. Also called: VIPAS39-related condition.
Arthrogryposis, renal dysfunction, and cholestasis 2 (ARCS2). Identifiers: Orphanet 2697, MedGen C3150672, MONDO:0013255, OMIM 613404.

Allele frequency attached by ClinVar (database versions not stated): 1000 Genomes Project 0.00020; gnomAD exomes below 0.00001; TOPMed 0.00001; gnomAD 0.00003; 1000 Genomes Project 30x 0.00016.
gnomAD v4.1: 6 of 1,614,068 alleles (0.00037%); highest among the groups gnomAD compares: East Asian, 0.011%; no homozygotes.

Submissions (3):

PreventionGenetics, part of Exact Sciences
Classification: Likely benign for VIPAS39-related condition. Last evaluated: 2025-09-24. Review status: criteria provided, single submitter. Criteria: ACMG Guidelines, 2015. Collection method: clinical testing. Allele origin: germline.
Comment: This variant is classified as likely benign based on ACMG/AMP sequence variant interpretation guidelines (Richards et al. 2015 PMID: 25741868, with internal and published modifications).

Fulgent Genetics
Classification: Uncertain significance for Arthrogryposis, renal dysfunction, and cholestasis 2. Last evaluated: 2023-12-24. Review status: criteria provided, single submitter. Criteria: ACMG Guidelines, 2015. Collection method: clinical testing. Allele origin: germline.

Labcorp Genetics (formerly Invitae), Labcorp
Classification: Likely benign. Last evaluated: 2023-12-09. Review status: criteria provided, single submitter. Criteria: Invitae Variant Classification Sherloc (09022015). Collection method: clinical testing. Allele origin: germline.

NM_001193315.2(VIPAS39):c.93+9A>G

Gene: VIPAS39 (VPS33B interacting protein, apical-basolateral polarity regulator, spe-39 homolog; minus strand). Cytogenetic location: 14q24.3.
Variant type: single nucleotide variant.
Coding change: c.93+9A>G on transcript NM_001193315.2 (MANE Select); 9 bases into the intron after coding-DNA position 93, A replaced by G.
Molecular consequence: intron variant.
Genome position (GRCh38, 1-based): chr14:77,454,001, T>C on the plus strand (A>G on the coding strand, the complement: VIPAS39 is on the minus strand). VCF-style: chr14-77454001-T-C. GRCh37 (hg19) VCF-style: chr14-77920344-T-C.
Other names: c.93+9A>G (NM_022067.3, NM_001400337.1, NM_001193316.2 and 16 more transcripts).
Identifiers: ClinVar variation 2993683 (VCV002993683.5), dbSNP rs202064596, ClinGen allele CA263822339.